The following is an entry in ClinVar:

NM_001105206.3(LAMA4):c.2173+25C>G

Gene: LAMA4 (laminin subunit alpha 4; minus strand). Cytogenetic location: 6q21.
Variant type: single nucleotide variant.
Coding change: c.2173+25C>G on transcript NM_001105206.3 (MANE Select); 25 bases into the intron after coding-DNA position 2173, C replaced by G.
Molecular consequence: intron variant.
Genome position (GRCh38, 1-based): chr6:112,150,486, G>C on the plus strand (C>G on the coding strand, the complement: LAMA4 is on the minus strand). VCF-style: chr6-112150486-G-C. GRCh37 (hg19) VCF-style: chr6-112471688-G-C.
Other names: c.2152+25C>G (NM_002290.5, NM_001105207.3).
Identifiers: ClinVar variation 671117 (VCV000671117.3), dbSNP rs3734286, ClinGen allele CA3965567.

ClinVar aggregate classification (germline): Benign. Review status: criteria provided, multiple submitters, no conflicts (2 of 4 stars). 2 submissions from 2 submitters: Benign (2). Last evaluated 2021-08-19.

Conditions:
Dilated cardiomyopathy 1JJ (CMD1JJ). Identifiers: Orphanet 154, MedGen C3808935, MONDO:0014095, OMIM 615235.

Allele frequency attached by ClinVar (database versions not stated): gnomAD exomes 0.26201; ExAC 0.26581; gnomAD 0.30923 and 0.31373; 1000 Genomes Project 0.31270; 1000 Genomes Project 30x 0.31621; TOPMed 0.32278; ESP Exome Variant Server 0.32800.
gnomAD v4.1: 381,529 of 1,380,656 alleles (28%); highest among the groups gnomAD compares: African/African-American, 43%; 55,647 homozygotes.

Submissions (2):

Genome-Nilou Lab
Classification: Benign for Dilated cardiomyopathy 1JJ. Last evaluated: 2021-08-19. Review status: criteria provided, single submitter. Criteria: ACMG Guidelines, 2015. Collection method: clinical testing. Allele origin: germline. Affected: no.

GeneDx
Classification: Benign. Last evaluated: 2018-06-15. Review status: criteria provided, single submitter. Criteria: GeneDx Variant Classification (06012015). Collection method: clinical testing. Allele origin: germline. Affected: yes.
Comment: This variant is considered likely benign or benign based on one or more of the following criteria: it is a conservative change, it occurs at a poorly conserved position in the protein, it is predicted to be benign by multiple in silico algorithms, and/or has population frequency not consistent with disease.